The following is an entry in ClinVar:

ClinVar aggregate classification (germline): Uncertain significance (1 of 4 stars; one submission).

Allele frequency attached by ClinVar (database versions not stated): gnomAD exomes below 0.00001; gnomAD 0.00001; TOPMed 0.00002.
gnomAD v4.1: 2 of 1,612,580 alleles (0.00012%); highest among the groups gnomAD compares: Non-Finnish European, 0.00017%; no homozygotes.

Submission:

Labcorp Genetics (formerly Invitae), Labcorp
Classification: Uncertain significance. Last evaluated: 2025-02-17. Review status: criteria provided, single submitter. Criteria: Invitae Variant Classification Sherloc (09022015). Collection method: clinical testing. Allele origin: germline.
Comment: This sequence change replaces glycine, which is neutral and non-polar, with arginine, which is basic and polar, at codon 78 of the SNAI2 protein (p.Gly78Arg). This variant is not present in population databases (gnomAD no frequency). This variant has not been reported in the literature in individuals affected with SNAI2-related conditions. ClinVar contains an entry for this variant (Variation ID: 2838706). An algorithm developed to predict the effect of missense changes on protein structure and function (PolyPhen-2) suggests that this variant is likely to be disruptive. Algorithms developed to predict the effect of sequence changes on RNA splicing suggest that this variant may disrupt the consensus splice site. In summary, the available evidence is currently insufficient to determine the role of this variant in disease. Therefore, it has been classified as a Variant of Uncertain Significance.

NM_003068.5(SNAI2):c.232G>A (p.Gly78Arg)

Gene: SNAI2 (snail family transcriptional repressor 2; minus strand). Cytogenetic location: 8q11.21.
Variant type: single nucleotide variant.
Coding change: c.232G>A on transcript NM_003068.5 (MANE Select); coding-DNA position 232, G replaced by A.
Protein change: p.Gly78Arg; replaces glycine 78 with arginine.
Molecular consequence: missense variant.
Genome position (GRCh38, 1-based): chr8:48,920,289, C>T on the plus strand (G>A on the coding strand, the complement: SNAI2 is on the minus strand). VCF-style: chr8-48920289-C-T. GRCh37 (hg19) VCF-style: chr8-49832848-C-T.
Other names: short protein forms G78R.
Identifiers: ClinVar variation 2838706 (VCV002838706.3), dbSNP rs915887115, ClinGen allele CA176682145.
Genomic context (GRCh38, chr8:48,920,289, plus strand): 5'-CCTTGGAGGAGGTGTCAGATGGAGGAGGGGGACTCACTCGCCCCAAAGATGAGGAGTATC[C>T]GGAAAGAGGAGAGAGGCCATTGGGTAGCTGGGCGTGGAATGGAGCAGCGGTAGTCCACAC-3'
Protein context (NP_003059.1, residues 68-88): QLPNGLSPLS[Gly78Arg]YSSSLGRVSP